The following is an entry in ClinVar:

NM_138383.3(MTSS2):c.2044del (p.Val682fs)

Gene: MTSS2 (MTSS I-BAR domain containing 2; minus strand). Cytogenetic location: 16q22.1.
Variant type: Deletion.
Coding change: c.2044del on transcript NM_138383.3 (MANE Select); coding-DNA position 2044, one base deleted (G; older notation c.2044delG).
Protein change: p.Val682fs; shifts the reading frame from valine 682.
Molecular consequence: frameshift variant.
Genome position (GRCh38, 1-based): chr16:70,663,877, C deleted on the plus strand (G on the coding strand, the reverse complement: MTSS2 is on the minus strand); the first of 2 consecutive C bases (chr16:70,663,877-70,663,878); deleting either gives the same sequence. VCF-style (leftmost placement, unchanged base first): chr16-70663876-AC-A. GRCh37 (hg19) VCF-style: chr16-70697779-AC-A.
Other names: short protein forms V682fs.
Identifiers: ClinVar variation 3367916 (VCV003367916.1).

ClinVar aggregate classification (germline): Uncertain significance (1 of 4 stars; one submission).

Submission:

GeneDx
Classification: Uncertain significance. Last evaluated: 2024-01-12. Review status: criteria provided, single submitter. Criteria: GeneDx Variant Classification Process June 2021. Collection method: clinical testing. Allele origin: germline. Affected: yes.
Comment: Not observed at significant frequency in large population cohorts (gnomAD); Frameshift variant predicted to result in abnormal protein length as the last 66 amino acids are replaced with 85 different amino acids; Has not been previously published as pathogenic or benign to our knowledge